The following is an entry in ClinVar:

ClinVar aggregate classification (germline): Likely benign. Review status: criteria provided, single submitter (1 of 4 stars). 2 submissions from 2 submitters: Likely benign (1). 1 of the submissions does not count toward it. Last evaluated 2023-04-01.

Conditions:
ESX1-related disorder. Also called: ESX1-related condition.

Allele frequency attached by ClinVar (database versions not stated): 1000 Genomes Project 30x 0.00021; gnomAD 0.00031; TOPMed 0.00035; ESP Exome Variant Server 0.00047; ExAC 0.00063.
gnomAD v4.1: 651 of 1,208,917 alleles (0.054%); highest among the groups gnomAD compares: Middle Eastern, 0.069%; no homozygotes.

Submissions (2):

CeGaT Center for Human Genetics Tuebingen
Classification: Likely benign. Last evaluated: 2023-04-01. Review status: criteria provided, single submitter. Criteria: CeGaT Center For Human Genetics Tuebingen Variant Classification Criteria Version 2. Collection method: clinical testing. Allele origin: germline. Affected: yes. Observed: 2 variant alleles.
Comment: ESX1: BP4, BP7, BS2

PreventionGenetics, part of Exact Sciences
Classification: Likely benign for ESX1-related condition. Last evaluated: 2021-07-14. Review status: no assertion criteria provided. Collection method: clinical testing. Allele origin: germline. Not counted in ClinVar's aggregate classification.
Comment: This variant is classified as likely benign based on ACMG/AMP sequence variant interpretation guidelines (Richards et al. 2015 PMID: 25741868, with internal and published modifications).

NM_153448.4(ESX1):c.228T>C (p.Gly76=)

Gene: ESX1 (ESX homeobox 1; minus strand). Cytogenetic location: Xq22.2.
Variant type: single nucleotide variant.
Coding change: c.228T>C on transcript NM_153448.4 (MANE Select); coding-DNA position 228, T replaced by C.
Protein change: p.Gly76=; no amino-acid change (glycine 76 retained).
Molecular consequence: synonymous variant.
Genome position (GRCh38, 1-based): chrX:104,254,432, A>G on the plus strand (T>C on the coding strand, the complement: ESX1 is on the minus strand). VCF-style: chrX-104254432-A-G. GRCh37 (hg19) VCF-style: chrX-103499113-A-G.
Other names: c.228T>C (NM_153448.3).
Identifiers: ClinVar variation 2661117 (VCV002661117.25), dbSNP rs372065561, ClinGen allele CA10480148.